The following is an entry in ClinVar:

ClinVar aggregate classification (germline): Conflicting classifications of pathogenicity. Review status: criteria provided, conflicting classifications (1 of 4 stars). 3 submissions from 2 submitters: Uncertain significance (2); Likely benign (1). Last evaluated 2024-02-23.

Conditions:
Transitory neonatal diabetes mellitus. Also called: Transient neonatal diabetes mellitus. Identifiers: MedGen C0342273, MONDO:0020525, HP:0008255.
Maturity-onset diabetes of the young (MODY). Also called: Maturity onset diabetes mellitus in young. Identifiers: Orphanet 552, MedGen C0342276, MONDO:0018911, HP:0004904.

Allele frequency attached by ClinVar (database versions not stated): gnomAD exomes below 0.00001; TOPMed below 0.00001; gnomAD 0.00001.
gnomAD v4.1: 4 of 1,614,064 alleles (0.00025%); highest among the groups gnomAD compares: Admixed American, 0.0017%; no homozygotes.

Submissions (3):

Labcorp Genetics (formerly Invitae), Labcorp
Classification: Likely benign. Last evaluated: 2024-02-23. Review status: criteria provided, single submitter. Criteria: Invitae Variant Classification Sherloc (09022015). Collection method: clinical testing. Allele origin: germline.

Clinical Genomics, Uppaluri K&H Personalized Medicine Clinic
Classification: Uncertain significance for Transitory neonatal diabetes mellitus. Review status: criteria provided, single submitter. Criteria: K & H Uppaluri Personalized Medicine Clinic Variant Classification & Assertion Criteria_Updated V.1. Collection method: research. Allele origin: somatic. Inheritance: Somatic mutation.
Comment: Mutations in ABCC8 gene are associated with both neonatal diabetes mellitus as well as MODY. Patients with this mutation may have a better response to sulfonylureas. However, no sufficient evidence is found to ascertain the role of this particular variant (rs1207446214) in neonatal diabetes yet.

Clinical Genomics, Uppaluri K&H Personalized Medicine Clinic
Classification: Uncertain significance for Maturity-onset diabetes of the young. Review status: criteria provided, single submitter. Criteria: K & H Uppaluri Personalized Medicine Clinic Variant Classification & Assertion Criteria_Updated V.1. Collection method: research. Allele origin: somatic. Inheritance: Somatic mutation.
Comment: Mutations in ABCC8 gene are associated with both neonatal diabetes mellitus as well as MODY. Patients with this mutation may have a better response to sulfonylureas. However, no sufficient evidence is found to ascertain the role of this particular variant (rs1207446214) in MODY yet.

Literature cited by the submitters: PubMed 16885549 (cited by Clinical Genomics, Uppaluri K&H Personalized Medicine Clinic); PubMed 21989597 (cited by Clinical Genomics, Uppaluri K&H Personalized Medicine Clinic); PubMed 27538677 (cited by Clinical Genomics, Uppaluri K&H Personalized Medicine Clinic); PubMed 18981553 (cited by Clinical Genomics, Uppaluri K&H Personalized Medicine Clinic); PubMed 32027066 (cited by Clinical Genomics, Uppaluri K&H Personalized Medicine Clinic); PubMed 16613899 (cited by Clinical Genomics, Uppaluri K&H Personalized Medicine Clinic); PubMed 18025408 (cited by Clinical Genomics, Uppaluri K&H Personalized Medicine Clinic); PubMed 32792356 (cited by Clinical Genomics, Uppaluri K&H Personalized Medicine Clinic).

NM_000352.6(ABCC8):c.4095T>C (p.Asn1365=)

Gene: ABCC8 (ATP binding cassette subfamily C member 8; minus strand). Cytogenetic location: 11p15.1.
Variant type: single nucleotide variant.
Coding change: c.4095T>C on transcript NM_000352.6 (MANE Select); coding-DNA position 4095, T replaced by C.
Protein change: p.Asn1365=; no amino-acid change (asparagine 1365 retained).
Molecular consequence: synonymous variant. On other transcripts: non-coding transcript variant (1).
Genome position (GRCh38, 1-based): chr11:17,396,940, A>G on the plus strand (T>C on the coding strand, the complement: ABCC8 is on the minus strand). VCF-style: chr11-17396940-A-G. GRCh37 (hg19) VCF-style: chr11-17418487-A-G.
Other names: c.4098T>C, p.Asn1366= (NM_001287174.3); c.4161T>C, p.Asn1387= (NM_001351295.2); c.4095T>C, p.Asn1365= (NM_001351296.2); c.4092T>C, p.Asn1364= (NM_001351297.2).
Identifiers: ClinVar variation 766442 (VCV000766442.9), dbSNP rs1207446214, ClinGen allele CA473298448.
Genomic context (GRCh38, chr11:17,396,940, plus strand): 5'-CTGTCCTGCAGCATTGGGTTGGGCCCGTGCTCTGACCTTCTGTCCAGGGGCGATGAGGGC[A>G]TTGACGTGCTTCAGCACCGGCTTCAGGGAGCTGTCGTAGCGCACGCTCAGGTTCTGGATC-3'
Protein context (NP_000343.2, residues 1355-1375): SSLKPVLKHV[Asn1365=]ALIAPGQKIG